The following is an entry in ClinVar:

NM_001433705.1(NLRP5):c.3431G>A (p.Arg1144Gln)

Gene: NLRP5 (NLR family pyrin domain containing 5; plus strand). Cytogenetic location: 19q13.43.
Variant type: single nucleotide variant.
Coding change: c.3431G>A on transcript NM_001433705.1 (MANE Select); coding-DNA position 3431, G replaced by A.
Protein change: p.Arg1144Gln; replaces arginine 1144 with glutamine.
Molecular consequence: missense variant.
Genome position (GRCh38, 1-based): chr19:56,061,509, G>A. VCF-style: chr19-56061509-G-A. GRCh37 (hg19) VCF-style: chr19-56572875-G-A.
Other names: NM_153447.4:c.3584G>A; short protein forms R1144Q.
Identifiers: ClinVar variation 3056845 (VCV003056845.2), dbSNP rs36118060, ClinGen allele CA9686345.

ClinVar aggregate classification (germline): Benign (0 of 4 stars; one submission).

Conditions:
NLRP5-related disorder. Also called: NLRP5-related condition.

Allele frequency attached by ClinVar (database versions not stated): 1000 Genomes Project 30x 0.16568; TOPMed 0.13373; gnomAD exomes 0.15415; 1000 Genomes Project 0.17113; ExAC 0.16851; ESP Exome Variant Server 0.12337; gnomAD 0.13437.

Submission:

PreventionGenetics, part of Exact Sciences
Classification: Benign for NLRP5-related condition. Last evaluated: 2024-01-05. Review status: no assertion criteria provided. Collection method: clinical testing. Allele origin: germline.
Comment: This variant is classified as benign based on ACMG/AMP sequence variant interpretation guidelines (Richards et al. 2015 PMID: 25741868, with internal and published modifications).